The following is an entry in ClinVar:

ClinVar aggregate classification (germline): Uncertain significance (1 of 4 stars; one submission).

Conditions:
Nephronophthisis 14 (NPHP14). Identifiers: Orphanet 2318, MedGen C3539071, MONDO:0013916, OMIM 614844.

Allele frequency attached by ClinVar (database versions not stated): TOPMed below 0.00001; gnomAD 0.00001; ExAC 0.00003.

Submission:

Labcorp Genetics (formerly Invitae), Labcorp
Classification: Uncertain significance for Nephronophthisis 14. Last evaluated: 2018-02-28. Review status: criteria provided, single submitter. Criteria: Invitae Variant Classification Sherloc (09022015). Collection method: clinical testing. Allele origin: germline.
Comment: This sequence change replaces aspartic acid with asparagine at codon 358 of the ZNF423 protein (p.Asp358Asn). The aspartic acid residue is highly conserved and there is a small physicochemical difference between aspartic acid and asparagine. In summary, the available evidence is currently insufficient to determine the role of this variant in disease. Therefore, it has been classified as a Variant of Uncertain Significance. Algorithms developed to predict the effect of missense changes on protein structure and function do not agree on the potential impact of this missense change (SIFT: "Deleterious"; PolyPhen-2: "Benign"; Align-GVGD: "Class C0"). This variant has not been reported in the literature in individuals with ZNF423-related disease. This variant is present in population databases (rs760969654, ExAC 0.02%).

NM_001379286.1(ZNF423):c.1096G>A (p.Asp366Asn)

Gene: ZNF423 (zinc finger protein 423; minus strand). Cytogenetic location: 16q12.1.
Variant type: single nucleotide variant.
Coding change: c.1096G>A on transcript NM_001379286.1 (MANE Select); coding-DNA position 1096, G replaced by A.
Protein change: p.Asp366Asn; replaces aspartic acid 366 with asparagine.
Molecular consequence: missense variant.
Genome position (GRCh38, 1-based): chr16:49,638,080, C>T on the plus strand (G>A on the coding strand, the complement: ZNF423 is on the minus strand). VCF-style: chr16-49638080-C-T. GRCh37 (hg19) VCF-style: chr16-49671991-C-T.
Other names: c.892G>A, p.Asp298Asn (NM_001271620.2); c.721G>A, p.Asp241Asn (NM_001330533.2); c.1072G>A, p.Asp358Asn (NM_015069.5); short protein forms D298N, D358N, D241N, D366N.
Identifiers: ClinVar variation 569915 (VCV000569915.7), dbSNP rs760969654, ClinGen allele CA8046761.